The following continues an entry in ClinVar:

NM_000218.3(KCNQ1):c.691C>T (p.Arg231Cys)

Gene: KCNQ1. ClinVar aggregate classification (germline): Pathogenic/Likely pathogenic. Pathogenic (13); Likely pathogenic (1).

Submissions 9 to 15 of 15:

Color Diagnostics, LLC DBA Color Health
Classification: Pathogenic for Cardiac arrhythmia. Last evaluated: 2023-08-08. Review status: criteria provided, single submitter. Criteria: ACMG Guidelines, 2015. Collection method: clinical testing. Allele origin: germline.
Comment: This missense variant replaces arginine with cysteine at codon 231 of the KCNQ1 protein. This variant is found within a highly conserved region of the transmembrane domain S4 (a.a. 226-248). Rare nontruncating variants in this region have been shown to be significantly overrepresented in individuals with long QT syndrome (PMID: 32893267). Functional studies have shown that this variant causes constitutive channel activation and reduced current density after pulses relative to wildtype (PMID: 19843919, 20850564, 22509038, 33600800). This variant has been reported in over ten unrelated individuals affected with long QT syndrome and five individuals from two families affected with atrial fibrillation (PMID: 14998624, 15176425, 16922724, 19716085, 19843919, 20850564, 23193492, 36102233, 35911527). This variant has been reported to be a de novo occurrence in one of the probands (PMID: 14998624). It has been shown that this variant segregates with disease in multiple individuals from at least three of these families (PMID: 20850564, 23193492). This variant has been identified in 1/31342 chromosomes in the general population by the Genome Aggregation Database (gnomAD). Based on the available evidence, this variant is classified as Pathogenic.

Molecular Genetics Laboratory - Cardiogenetics, CHU de Nantes
Classification: Pathogenic for Long QT syndrome 1. Last evaluated: 2023-08-01. Review status: criteria provided, single submitter. Criteria: ACMG Guidelines, 2015. Collection method: clinical testing. Allele origin: germline. Affected: yes.

MGZ Medical Genetics Center
Classification: Pathogenic for Long QT syndrome 1. Last evaluated: 2022-03-08. Review status: criteria provided, single submitter. Criteria: ACMG Guidelines, 2015. Collection method: clinical testing. Allele origin: germline. Affected: yes. Observed: 2 variant alleles.
Comment: ACMG criteria applied: PS3, PM5, PP1_MOD, PM2_SUP, PP3

GeneDx
Classification: Pathogenic. Last evaluated: 2021-11-22. Review status: criteria provided, single submitter. Criteria: GeneDx Variant Classification Process June 2021. Collection method: clinical testing. Allele origin: germline. Affected: yes.
Comment: Published in vitro functional studies demonstrate this variant alters cell surface expression and potassium current kinetics (Bartos et al., 2011; Henrion et al., 2012; Huang et al., 2021); Not observed at a significant frequency in large population cohorts (gnomAD); In silico analysis, which includes splice predictors and evolutionary conservation, suggests this variant may impact gene splicing. In the absence of RNA/functional studies, the actual effect of this sequence change is unknown.; In silico analysis supports that this missense variant has a deleterious effect on protein structure/function; This variant is associated with the following publications: (PMID: 15176425, 16922724, 28479515, 22509038, 33322401, 23193492, 19843919, 12205790, 19716085, 27761162, 17947213, 27291509, 27807201, 28185290, 28341588, 32048431, 31737537, 32383558, 33600800, 20850564, 30975432, 14998624, 23158531, 22613981)

HudsonAlpha Institute for Biotechnology
Classification: Pathogenic for Long QT syndrome 1. Last evaluated: 2017-01-12. Review status: criteria provided, single submitter. Criteria: HA_PGEN_assertions_20170620. Collection method: research. Allele origin: unknown. Affected: yes. Observed: 1 variant allele.

Center for Medical Genetics Ghent, University of Ghent
Classification: Likely pathogenic for Long QT syndrome 1. Last evaluated: 2016-03-17. Review status: criteria provided, single submitter. Criteria: ACMG Guidelines, 2015. Collection method: clinical testing. Allele origin: germline. Affected: yes.

Cardiovascular Biomedical Research Unit, Royal Brompton & Harefield NHS Foundation Trust
No classification provided. Condition: Familial long QT syndrome. Review status: no classification provided. Collection method: literature only. Allele origin: germline. Not counted in ClinVar's aggregate classification.
Comment: This variant has been reported as associated with Long QT syndrome in the following publications (PMID:12205790;PMID:14998624;PMID:15176425;PMID:16922724;PMID:19716085;PMID:19843919;PMID:20850564;PMID:22613981). This is a literature report, and does not necessarily reflect the clinical interpretation of the Imperial College / Royal Brompton Cardiovascular Genetics laboratory.

Literature cited by the submitters: PubMed 12205790 (cited by 5 submitters); PubMed 20850564 (cited by 6 submitters); PubMed 22613981 (cited by 4 submitters); PubMed 19843919 (cited by 6 submitters); PubMed 22509038 (cited by 4 submitters); PubMed 16414944 (cited by Labcorp Genetics (formerly Invitae), Labcorp and 3billion); PubMed 23350853 (cited by Labcorp Genetics (formerly Invitae), Labcorp); PubMed 24861447 (cited by Labcorp Genetics (formerly Invitae), Labcorp); PubMed 14998624 (cited by 5 submitters); PubMed 16922724 (cited by 5 submitters); PubMed 17698596 (cited by Ambry Genetics); PubMed 18079560 (cited by Ambry Genetics); PubMed 23193492 (cited by 3 submitters); PubMed 33600800 (cited by 3 submitters); PubMed 15176425 (cited by 4 submitters); PubMed 19716085 (cited by 4 submitters); PubMed 32893267 (cited by All of Us Research Program, National Institutes of Health and Color Diagnostics, LLC DBA Color Health); PubMed 35911527 (cited by All of Us Research Program, National Institutes of Health and Color Diagnostics, LLC DBA Color Health); PubMed 36102233 (cited by All of Us Research Program, National Institutes of Health and Color Diagnostics, LLC DBA Color Health); PubMed 22581653 (cited by Cardiovascular Biomedical Research Unit, Royal Brompton & Harefield NHS Foundation Trust).